The following is an entry in ClinVar:

NM_004360.5(CDH1):c.1382_1389del (p.Pro461fs)

Gene: CDH1 (cadherin 1; plus strand). Cytogenetic location: 16q22.1.
Variant type: Deletion.
Coding change: c.1382_1389del on transcript NM_004360.5 (MANE Select); coding-DNA positions 1382 to 1389, 8 bases deleted (CTTTTGAG; older notation c.1382_1389delCTTTTGAG).
Protein change: p.Pro461fs; shifts the reading frame from proline 461.
Molecular consequence: frameshift variant. On other transcripts: 5 prime UTR variant (2).
Genome position (GRCh38, 1-based): chr16:68,815,576-68,815,583, CTTTTGAG deleted. VCF-style (leftmost placement, unchanged base first): chr16-68815575-CCTTTTGAG-C. GRCh37 (hg19) VCF-style: chr16-68849478-CCTTTTGAG-C.
Other names: c.1199_1206del, p.Pro400fs (NM_001317184.2); c.-167_-160del (NM_001317185.2); c.-438_-431del (NM_001317186.2); short protein forms P400fs, P461fs.
Identifiers: ClinVar variation 2708667 (VCV002708667.3), dbSNP rs2543930482, ClinGen allele CA2697555909.

ClinVar aggregate classification (germline): Pathogenic (1 of 4 stars; one submission).

Conditions:
Hereditary diffuse gastric adenocarcinoma (HDGC). Also called: DIFFUSE GASTRIC AND LOBULAR BREAST CANCER SYNDROME. Identifiers: Orphanet 26106, MedGen C1708349, MONDO:0007648, OMIM 137215.

Submission:

Labcorp Genetics (formerly Invitae), Labcorp
Classification: Pathogenic for Hereditary diffuse gastric adenocarcinoma. Last evaluated: 2024-01-16. Review status: criteria provided, single submitter. Criteria: Invitae Variant Classification Sherloc (09022015). Collection method: clinical testing. Allele origin: germline.
Comment: This sequence change creates a premature translational stop signal (p.Pro461Argfs*19) in the CDH1 gene. It is expected to result in an absent or disrupted protein product. Loss-of-function variants in CDH1 are known to be pathogenic (PMID: 15235021, 20373070). This variant is not present in population databases (gnomAD no frequency). This variant has not been reported in the literature in individuals affected with CDH1-related conditions. Algorithms developed to predict the effect of sequence changes on RNA splicing suggest that this variant may create or strengthen a splice site. For these reasons, this variant has been classified as Pathogenic.

Literature cited by the submitters: PubMed 15235021; PubMed 20373070.